The following is an entry in ClinVar:

NM_031475.3(ESPN):c.1793C>G (p.Pro598Arg)

Gene: ESPN (espin; plus strand). Cytogenetic location: 1p36.31.
Variant type: single nucleotide variant.
Coding change: c.1793C>G on transcript NM_031475.3 (MANE Select); coding-DNA position 1793, C replaced by G.
Protein change: p.Pro598Arg; replaces proline 598 with arginine.
Molecular consequence: missense variant.
Genome position (GRCh38, 1-based): chr1:6,448,969, C>G. VCF-style: chr1-6448969-C-G. GRCh37 (hg19) VCF-style: chr1-6509029-C-G.
Other names: c.1703C>G, p.Pro568Arg (NM_001367473.1, NM_001367474.1); short protein forms P568R, P598R.
Identifiers: ClinVar variation 3899189 (VCV003899189.1).
Genomic context (GRCh38, chr1:6,448,969, plus strand): 5'-GGAACCATGTTCCTAACGGCTGCGCCGCGGACCCCAAGGCGTCCAGGGAGCTGCCACCGC[C>G]GCCCCCACCGCCGCCGCCGCCCCTGCCGGAGGCCGCGAGTTCGCCACCGCCGGCCCCGCC-3'
Protein context (NP_113663.2, residues 588-608): DPKASRELPP[Pro598Arg]PPPPPPPLPE

ClinVar aggregate classification (germline): Uncertain significance (1 of 4 stars; one submission).

Submission:

GeneDx
Classification: Uncertain significance. Last evaluated: 2024-11-11. Review status: criteria provided, single submitter. Criteria: GeneDx Variant Classification Process June 2021. Collection method: clinical testing. Allele origin: germline. Affected: yes.
Comment: Not observed at significant frequency in large population cohorts (gnomAD); In silico analysis supports that this missense variant has a deleterious effect on protein structure/function; Has not been previously published as pathogenic or benign to our knowledge